The following is an entry in ClinVar:

NM_024757.5(EHMT1):c.3846GGA[1] (p.Glu1283del)

Gene: EHMT1 (euchromatic histone lysine methyltransferase 1; plus strand). Cytogenetic location: 9q34.3.
Variant type: Microsatellite.
Coding change: c.3846GGA[1] on transcript NM_024757.5 (MANE Select); one copy of the 3-base unit GGA starting at c.3846; the reference has two copies in a row; one copy, 3 bases deleted.
Protein change: p.Glu1283del; deletes glutamic acid 1283.
Molecular consequence: inframe deletion.
Genome position (GRCh38, 1-based): chr9:137,834,905-137,834,907, GGA deleted; deleting any 3 consecutive bases within chr9:137,834,901-137,834,907 gives the same sequence; the position shown is the placement nearest the transcript's 3' end. VCF-style (leftmost placement, unchanged base first): chr9-137834900-CAGG-C. GRCh37 (hg19) VCF-style: chr9-140729352-CAGG-C.
Other names: c.3825GGA[1], p.Glu1276del (NM_001354263.2); c.3849_3851delGGA (NM_024757.4); short protein forms E1276del, E1283del.
Identifiers: ClinVar variation 4730563 (VCV004730563.2).

ClinVar aggregate classification (germline): Uncertain significance. Review status: criteria provided, multiple submitters, no conflicts (2 of 4 stars). 2 submissions from 2 submitters: Uncertain significance (2). Last evaluated 2025-11-05.

Conditions:
EHMT1-related disorder. Also called: EHMT1-related condition.
Kleefstra syndrome 1 (KLEFS1). Identifiers: Orphanet 261494, MedGen C0795833, MONDO:0027407, OMIM 610253.

Submissions (2):

Labcorp Genetics (formerly Invitae), Labcorp
Classification: Uncertain significance for Kleefstra syndrome 1. Last evaluated: 2025-11-05. Review status: criteria provided, single submitter. Criteria: Invitae Variant Classification Sherloc (09022015). Collection method: clinical testing. Allele origin: germline.
Comment: This variant, c.3849_3851del, results in the deletion of 1 amino acid(s) of the EHMT1 protein (p.Glu1283del), but otherwise preserves the integrity of the reading frame. This variant is not present in population databases (gnomAD no frequency). This variant has not been reported in the literature in individuals affected with EHMT1-related conditions. Experimental studies and prediction algorithms are not available or were not evaluated, and the functional significance of this variant is currently unknown. In summary, the available evidence is currently insufficient to determine the role of this variant in disease. Therefore, it has been classified as a Variant of Uncertain Significance.

PreventionGenetics, part of Exact Sciences
Classification: Uncertain significance for EHMT1-related condition. Last evaluated: 2025-08-12. Review status: criteria provided, single submitter. Criteria: ACMG Guidelines, 2015. Collection method: clinical testing. Allele origin: germline.
Comment: The EHMT1 c.3849_3851delGGA variant is predicted to result in an in-frame deletion (p.Glu1283del). To our knowledge, this variant has not been reported in the literature or in a large population database (gnomAD), indicating this variant is rare. At this time, the clinical significance of this variant is uncertain due to the absence of conclusive functional and genetic evidence.